The following is an entry in ClinVar:

ClinVar aggregate classification (germline): Likely benign. Review status: criteria provided, multiple submitters, no conflicts (2 of 4 stars). 2 submissions from 2 submitters: Likely benign (2). Last evaluated 2025-06-18.

Allele frequency attached by ClinVar (database versions not stated): gnomAD 0.00001; gnomAD exomes 0.00001; TOPMed 0.00001; ExAC 0.00005; 1000 Genomes Project 30x 0.00016; 1000 Genomes Project 0.00020.
gnomAD v4.1: 18 of 1,613,686 alleles (0.0011%); highest among the groups gnomAD compares: Admixed American, 0.0067%; no homozygotes.

Submissions (2):

Labcorp Genetics (formerly Invitae), Labcorp
Classification: Likely benign. Last evaluated: 2025-06-18. Review status: criteria provided, single submitter. Criteria: Invitae Variant Classification Sherloc (09022015). Collection method: clinical testing. Allele origin: germline.

CeGaT Center for Human Genetics Tuebingen
Classification: Likely benign. Last evaluated: 2022-11-01. Review status: criteria provided, single submitter. Criteria: CeGaT Center For Human Genetics Tuebingen Variant Classification Criteria Version 2. Collection method: clinical testing. Allele origin: germline. Affected: yes. Observed: 1 variant allele.
Comment: CAMK2B: BP4, BP7

NM_001220.5(CAMK2B):c.417G>A (p.Pro139=)

Gene: CAMK2B (calcium/calmodulin dependent protein kinase II beta; minus strand). Cytogenetic location: 7p13.
Variant type: single nucleotide variant.
Coding change: c.417G>A on transcript NM_001220.5 (MANE Select); coding-DNA position 417, G replaced by A.
Protein change: p.Pro139=; no amino-acid change (proline 139 retained).
Molecular consequence: synonymous variant.
Genome position (GRCh38, 1-based): chr7:44,243,525, C>T on the plus strand (G>A on the coding strand, the complement: CAMK2B is on the minus strand). VCF-style: chr7-44243525-C-T. GRCh37 (hg19) VCF-style: chr7-44283124-C-T.
Other names: c.417G>A, p.Pro139= (NM_001293170.2, NM_172078.3, NM_172079.3 and 5 more transcripts).
Identifiers: ClinVar variation 2657429 (VCV002657429.27), dbSNP rs143953872, ClinGen allele CA4240696.